The following is an entry in ClinVar:

ClinVar aggregate classification (germline): Uncertain significance (1 of 4 stars; one submission).

Submission:

Labcorp Genetics (formerly Invitae), Labcorp
Classification: Uncertain significance. Last evaluated: 2024-05-16. Review status: criteria provided, single submitter. Criteria: Invitae Variant Classification Sherloc (09022015). Collection method: clinical testing. Allele origin: germline.
Comment: This sequence change replaces glutamine, which is neutral and polar, with lysine, which is basic and polar, at codon 38 of the BCAT2 protein (p.Gln38Lys). This variant is not present in population databases (gnomAD no frequency). This variant has not been reported in the literature in individuals affected with BCAT2-related conditions. An algorithm developed to predict the effect of missense changes on protein structure and function (PolyPhen-2) suggests that this variant¬†is likely to be tolerated. In summary, the available evidence is currently insufficient to determine the role of this variant in disease. Therefore, it has been classified as a Variant of Uncertain Significance.

NM_001190.4(BCAT2):c.112C>A (p.Gln38Lys)

Gene: BCAT2 (branched chain amino acid transaminase 2; minus strand). Cytogenetic location: 19q13.33.
Variant type: single nucleotide variant.
Coding change: c.112C>A on transcript NM_001190.4 (MANE Select); coding-DNA position 112, C replaced by A.
Protein change: p.Gln38Lys; replaces glutamine 38 with lysine.
Molecular consequence: missense variant. On other transcripts: 5 prime UTR variant (1), intron variant (1).
Genome position (GRCh38, 1-based): chr19:48,806,705, G>T on the plus strand (C>A on the coding strand, the complement: BCAT2 is on the minus strand). VCF-style: chr19-48806705-G-T. GRCh37 (hg19) VCF-style: chr19-49309962-G-T.
Other names: c.-9C>A (NM_001284325.2); c.24+4279C>A (NM_001164773.2); short protein forms Q38K.
Identifiers: ClinVar variation 3609035 (VCV003609035.1).
Genomic context (GRCh38, chr19:48,806,705, plus strand): 5'-CAAACACCAGGGGCTCGCCGGGGCCAGGCTTCTTATGAGGCTTCTGTGTCATTTCCAGCT[G>T]CAGGTCTGCAGCCTGAGGAAAGACAGGGGTATCCTAGAATCTGGCCACAACCTCCCAGCT-3'
Protein context (NP_001181.2, residues 28-48): ASSSFKAADL[Gln38Lys]LEMTQKPHKK